The following is an entry in ClinVar:

NM_000350.3(ABCA4):c.5930G>T (p.Gly1977Val)

Gene: ABCA4 (ATP binding cassette subfamily A member 4; minus strand). Cytogenetic location: 1p22.1.
Variant type: single nucleotide variant.
Coding change: c.5930G>T on transcript NM_000350.3 (MANE Select); coding-DNA position 5930, G replaced by T.
Protein change: p.Gly1977Val; replaces glycine 1977 with valine.
Molecular consequence: missense variant.
Genome position (GRCh38, 1-based): chr1:94,007,709, C>A on the plus strand (G>T on the coding strand, the complement: ABCA4 is on the minus strand). VCF-style: chr1-94007709-C-A. GRCh37 (hg19) VCF-style: chr1-94473265-C-A.
Other names: c.5708G>T, p.Gly1903Val (NM_001425324.1); short protein forms G1903V, G1977V.
Identifiers: ClinVar variation 4745894 (VCV004745894.1).

ClinVar aggregate classification (germline): Pathogenic (1 of 4 stars; one submission).

Submission:

Labcorp Genetics (formerly Invitae), Labcorp
Classification: Pathogenic. Last evaluated: 2025-12-30. Review status: criteria provided, single submitter. Criteria: Invitae Variant Classification Sherloc (09022015). Collection method: clinical testing. Allele origin: germline.
Comment: This sequence change replaces glycine, which is neutral and non-polar, with valine, which is neutral and non-polar, at codon 1977 of the ABCA4 protein (p.Gly1977Val). This variant is not present in population databases (gnomAD no frequency). This missense change has been observed in individual(s) with clinical features of Stargardt disease (internal data). Invitae Evidence Modeling of protein sequence and biophysical properties (such as structural, functional, and spatial information, amino acid conservation, physicochemical variation, residue mobility, and thermodynamic stability) indicates that this missense variant is expected to disrupt ABCA4 protein function with a positive predictive value of 95%. This variant disrupts the p.Gly1977 amino acid residue in ABCA4. Other variant(s) that disrupt this residue have been determined to be pathogenic (PMID: 9781034, 23755871, 27739528, 29925512). This suggests that this residue is clinically significant, and that variants that disrupt this residue are likely to be disease-causing. For these reasons, this variant has been classified as Pathogenic.

Literature cited by the submitters: PubMed 9781034; PubMed 23755871; PubMed 27739528; PubMed 29925512.